The following is an entry in ClinVar:

NM_001376.5(DYNC1H1):c.9883+3A>G

Gene: DYNC1H1 (dynein cytoplasmic 1 heavy chain 1; plus strand). Cytogenetic location: 14q32.31.
Variant type: single nucleotide variant.
Coding change: c.9883+3A>G on transcript NM_001376.5 (MANE Select); 3 bases into the intron after coding-DNA position 9883, A replaced by G.
Molecular consequence: intron variant.
Genome position (GRCh38, 1-based): chr14:102,030,285, A>G. VCF-style: chr14-102030285-A-G. GRCh37 (hg19) VCF-style: chr14-102496622-A-G.
Identifiers: ClinVar variation 860813 (VCV000860813.7), dbSNP rs2048495549, ClinGen allele CA916083400.

ClinVar aggregate classification (germline): Uncertain significance (1 of 4 stars; one submission).

Conditions:
Charcot-Marie-Tooth disease axonal type 2O. Also called: Charcot-Marie-Tooth disease, axonal, type 20; CHARCOT-MARIE-TOOTH DISEASE, AXONAL, AUTOSOMAL DOMINANT, TYPE 2O; CHARCOT-MARIE-TOOTH NEUROPATHY, AXONAL, TYPE 2O; Charcot-Marie-Tooth Neuropathy Type 2O. Identifiers: Orphanet 284232, MedGen C3280220, MONDO:0013644, OMIM 614228.

Submission:

Labcorp Genetics (formerly Invitae), Labcorp
Classification: Uncertain significance for Charcot-Marie-Tooth disease axonal type 2O. Last evaluated: 2025-03-23. Review status: criteria provided, single submitter. Criteria: Invitae Variant Classification Sherloc (09022015). Collection method: clinical testing. Allele origin: germline.
Comment: This sequence change falls in intron 51 of the DYNC1H1 gene. It does not directly change the encoded amino acid sequence of the DYNC1H1 protein. It affects a nucleotide within the consensus splice site. This variant is not present in population databases (gnomAD no frequency). This variant has not been reported in the literature in individuals affected with DYNC1H1-related conditions. ClinVar contains an entry for this variant (Variation ID: 860813). Variants that disrupt the consensus splice site are a relatively common cause of aberrant splicing (PMID: 17576681, 9536098). Algorithms developed to predict the effect of sequence changes on RNA splicing suggest that this variant is not likely to affect RNA splicing. In summary, the available evidence is currently insufficient to determine the role of this variant in disease. Therefore, it has been classified as a Variant of Uncertain Significance.

Literature cited by the submitters: PubMed 17576681; PubMed 9536098.